The following is an entry in ClinVar:

ClinVar aggregate classification (germline): Uncertain significance (1 of 4 stars; one submission).

Submission:

Labcorp Genetics (formerly Invitae), Labcorp
Classification: Uncertain significance. Last evaluated: 2023-08-09. Review status: criteria provided, single submitter. Criteria: Invitae Variant Classification Sherloc (09022015). Collection method: clinical testing. Allele origin: germline.
Comment: This sequence change affects codon 2160 of the FLNB mRNA. It is a 'silent' change, meaning that it does not change the encoded amino acid sequence of the FLNB protein. In summary, the available evidence is currently insufficient to determine the role of this variant in disease. Therefore, it has been classified as a Variant of Uncertain Significance. Algorithms developed to predict the effect of sequence changes on RNA splicing suggest that this variant may disrupt the consensus splice site. This variant has not been reported in the literature in individuals affected with FLNB-related conditions. This variant is not present in population databases (gnomAD no frequency).

NM_001457.4(FLNB):c.6480G>A (p.Gln2160=)

Gene: FLNB (filamin B; plus strand). Cytogenetic location: 3p14.3.
Variant type: single nucleotide variant.
Coding change: c.6480G>A on transcript NM_001457.4 (MANE Select); coding-DNA position 6480, G replaced by A.
Protein change: p.Gln2160=; no amino-acid change (glutamine 2160 retained).
Molecular consequence: synonymous variant.
Genome position (GRCh38, 1-based): chr3:58,153,487, G>A. VCF-style: chr3-58153487-G-A. GRCh37 (hg19) VCF-style: chr3-58139214-G-A.
Other names: c.6573G>A, p.Gln2191= (NM_001164317.2); c.6447G>A, p.Gln2149= (NM_001164318.2); c.6408G>A, p.Gln2136= (NM_001164319.2).
Identifiers: ClinVar variation 2751450 (VCV002751450.3), dbSNP rs2471223447, ClinGen allele CA434144788.